The following is an entry in ClinVar:

NM_005560.6(LAMA5):c.4300G>A (p.Gly1434Arg)

Gene: LAMA5 (laminin subunit alpha 5; minus strand). Cytogenetic location: 20q13.33.
Variant type: single nucleotide variant.
Coding change: c.4300G>A on transcript NM_005560.6 (MANE Select); coding-DNA position 4300, G replaced by A.
Protein change: p.Gly1434Arg; replaces glycine 1434 with arginine.
Molecular consequence: missense variant.
Genome position (GRCh38, 1-based): chr20:62,328,991, C>T on the plus strand (G>A on the coding strand, the complement: LAMA5 is on the minus strand). VCF-style: chr20-62328991-C-T. GRCh37 (hg19) VCF-style: chr20-60904047-C-T.
Other names: short protein forms G1434R.
Identifiers: ClinVar variation 2446391 (VCV002446391.2), dbSNP rs1979832889, ClinGen allele CA409566096.

ClinVar aggregate classification (germline): Likely pathogenic (1 of 4 stars; one submission).

Conditions:
Nephrotic syndrome, IIa 26. Also called: Nephrotic syndrome, type 26. Identifiers: MedGen C5774221, MONDO:0031061, OMIM 620049.

Allele frequency attached by ClinVar (database versions not stated): gnomAD exomes below 0.00001; gnomAD 0.00001; TOPMed 0.00001.
gnomAD v4.1: 2 of 1,612,508 alleles (0.00012%); highest among the groups gnomAD compares: South Asian, 0.0011%; no homozygotes.

Submission:

Molecular Diagnostics and Clinical Genetics Unit, Hospital Universitari Son Espases/IbSalut
Classification: Likely pathogenic for Nephrotic syndrome, IIa 26. Last evaluated: 2023-03-28. Review status: criteria provided, single submitter. Criteria: ACMG Guidelines, 2015. Collection method: clinical testing. Allele origin: germline. Inheritance: Autosomal recessive inheritance. Affected: yes. Observed: 1 compound heterozygote.